The following is an entry in ClinVar:

NM_000090.4(COL3A1):c.1915G>A (p.Gly639Arg)

Gene: COL3A1 (collagen type III alpha 1 chain; plus strand). Cytogenetic location: 2q32.2.
Variant type: single nucleotide variant.
Coding change: c.1915G>A on transcript NM_000090.4 (MANE Select); coding-DNA position 1915, G replaced by A.
Protein change: p.Gly639Arg; replaces glycine 639 with arginine.
Molecular consequence: missense variant.
Genome position (GRCh38, 1-based): chr2:188,997,745, G>A. VCF-style: chr2-188997745-G-A. GRCh37 (hg19) VCF-style: chr2-189862471-G-A.
Identifiers: ClinVar variation 101419 (VCV000101419.5), dbSNP rs587779435, ClinGen allele CA004703.

ClinVar aggregate classification (germline): Likely pathogenic. Review status: criteria provided, single submitter (1 of 4 stars). 2 submissions from 2 submitters: Likely pathogenic (1). 1 of the submissions does not count toward it. Last evaluated 2023-06-16.

Conditions:
Ehlers-Danlos syndrome, type 4 (EDSVASC). Also called: Ehlers-Danlos syndrome vascular type; Ehlers Danlos syndrome, ecchymotic type; Ehlers Danlos syndrome, arterial type; Ehlers Danlos syndrome, Sack-Barabas type; Ehlers-Danlos Syndrome Type IV. Identifiers: Orphanet 286, MedGen C0268338, MONDO:0017314, OMIM 130050.

Submissions (2):

Labcorp Genetics (formerly Invitae), Labcorp
Classification: Likely pathogenic for Ehlers-Danlos syndrome, type 4. Last evaluated: 2023-06-16. Review status: criteria provided, single submitter. Criteria: Invitae Variant Classification Sherloc (09022015). Collection method: clinical testing. Allele origin: germline.
Comment: Advanced modeling of protein sequence and biophysical properties (such as structural, functional, and spatial information, amino acid conservation, physicochemical variation, residue mobility, and thermodynamic stability) performed at Invitae indicates that this missense variant is expected to disrupt COL3A1 protein function. In summary, the currently available evidence indicates that the variant is pathogenic, but additional data are needed to prove that conclusively. Therefore, this variant has been classified as Likely Pathogenic. This variant disrupts the triple helix domain of COL3A1. Glycine residues within the Gly-Xaa-Yaa repeats of the triple helix domain are required for the structure and stability of fibrillar collagens (PMID: 7695699, 8218237, 19344236). In COL3A1, variants that affect these glycine residues are significantly enriched in individuals with disease (PMID: 24922459, 25758994) compared to the general population (ExAC). ClinVar contains an entry for this variant (Variation ID: 101419). This missense change has been observed in individual(s) with vascular Ehlers-Danlos syndrome (PMID: 24922459). This variant is not present in population databases (gnomAD no frequency). This sequence change replaces glycine, which is neutral and non-polar, with arginine, which is basic and polar, at codon 639 of the COL3A1 protein (p.Gly639Arg).

Collagen Diagnostic Laboratory, University of Washington
Classification: Pathogenic for Ehlers-Danlos syndrome, type 4. Review status: no assertion criteria provided. Collection method: clinical testing. Allele origin: germline. Affected: yes. Not counted in ClinVar's aggregate classification.

Literature cited by the submitters: PubMed 7695699 (cited by Labcorp Genetics (formerly Invitae), Labcorp); PubMed 8218237 (cited by Labcorp Genetics (formerly Invitae), Labcorp); PubMed 19344236 (cited by Labcorp Genetics (formerly Invitae), Labcorp); PubMed 24922459 (cited by Labcorp Genetics (formerly Invitae), Labcorp); PubMed 25758994 (cited by Labcorp Genetics (formerly Invitae), Labcorp).